The following is an entry in ClinVar:

ClinVar aggregate classification (germline): Likely benign. Review status: criteria provided, multiple submitters, no conflicts (2 of 4 stars). 2 submissions from 2 submitters: Likely benign (2). Last evaluated 2026-03-10.

Conditions:
Charcot-Marie-Tooth disease type 2. Also called: Charcot-Marie-Tooth type 2. Identifiers: Orphanet 64746, MedGen C0270914, MONDO:0018993.
AARS1-related disorder. Also called: AARS1-related condition.

Allele frequency attached by ClinVar (database versions not stated): gnomAD 0.00001; gnomAD exomes 0.00004 and 0.00008; ExAC 0.00008; ESP Exome Variant Server 0.00015.
gnomAD v4.1: 57 of 1,613,796 alleles (0.0035%); highest among the groups gnomAD compares: South Asian, 0.053%; no homozygotes.

Submissions (2):

PreventionGenetics, part of Exact Sciences
Classification: Likely benign for AARS1-related condition. Last evaluated: 2026-03-10. Review status: criteria provided, single submitter. Criteria: ACMG Guidelines, 2015. Collection method: clinical testing. Allele origin: germline.
Comment: This variant is classified as likely benign based on ACMG/AMP sequence variant interpretation guidelines (Richards et al. 2015 PMID: 25741868, with internal and published modifications).

Labcorp Genetics (formerly Invitae), Labcorp
Classification: Likely benign for Charcot-Marie-Tooth disease type 2. Last evaluated: 2025-11-18. Review status: criteria provided, single submitter. Criteria: Invitae Variant Classification Sherloc (09022015). Collection method: clinical testing. Allele origin: germline.

NM_001605.3(AARS1):c.1722A>G (p.Leu574=)

Gene: AARS1 (alanyl-tRNA synthetase 1; minus strand). Cytogenetic location: 16q22.1.
Variant type: single nucleotide variant.
Coding change: c.1722A>G on transcript NM_001605.3 (MANE Select); coding-DNA position 1722, A replaced by G.
Protein change: p.Leu574=; no amino-acid change (leucine 574 retained).
Molecular consequence: synonymous variant.
Genome position (GRCh38, 1-based): chr16:70,261,107, T>C on the plus strand (A>G on the coding strand, the complement: AARS1 is on the minus strand). VCF-style: chr16-70261107-T-C. GRCh37 (hg19) VCF-style: chr16-70295010-T-C.
Other names: c.1722A>G (NM_001605.2).
Identifiers: ClinVar variation 1128767 (VCV001128767.10), dbSNP rs140678149, ClinGen allele CA8140707.